The following is an entry in ClinVar:

NM_020975.6(RET):c.1447T>C (p.Tyr483His)

Gene: RET (ret proto-oncogene; plus strand). Cytogenetic location: 10q11.21.
Variant type: single nucleotide variant.
Coding change: c.1447T>C on transcript NM_020975.6 (MANE Select); coding-DNA position 1447, T replaced by C.
Protein change: p.Tyr483His; replaces tyrosine 483 with histidine.
Molecular consequence: missense variant. On other transcripts: intron variant (15).
Genome position (GRCh38, 1-based): chr10:43,111,390, T>C. VCF-style: chr10-43111390-T-C. GRCh37 (hg19) VCF-style: chr10-43606838-T-C.
Other names: c.1447T>C, p.Tyr483His (NM_000323.2, NM_001406743.1, NM_001406744.1 and 6 more transcripts); c.685T>C, p.Tyr229His (NM_001355216.2); c.1318T>C, p.Tyr440His (NM_001406761.1, NM_001406762.1, NM_001406764.1 and 1 more transcripts); c.1159T>C, p.Tyr387His (NM_001406766.1, NM_001406767.1, NM_001406770.1); c.1051T>C, p.Tyr351His (NM_001406769.1, NM_001406772.1); c.1009T>C, p.Tyr337His (NM_001406771.1, NM_001406773.1); c.922T>C, p.Tyr308His (NM_001406774.1); c.721T>C, p.Tyr241His (NM_001406775.1, NM_001406776.1, NM_001406777.1 and 1 more transcripts); and 5 more; short protein forms Y440H, Y153H, Y229H, Y241H, Y351H, Y387H, Y308H, Y337H.
Identifiers: ClinVar variation 2734134 (VCV002734134.4), dbSNP rs2132773342, ClinGen allele CA376549667.
Genomic context (GRCh38, chr10:43,111,390, plus strand): 5'-GGGATCCTGTTTGTGAATGACACCAAGGCCCTGCGGCGGCCCAAGTGTGCCGAACTTCAC[T>C]ACATGGTGGTGGCCACCGACCAGCAGACCTCTAGGCAGGCCCAGGCCCAGCTGCTTGTAA-3'
Protein context (NP_066124.1, residues 473-493): LRRPKCAELH[Tyr483His]MVVATDQQTS

ClinVar aggregate classification (germline): Uncertain significance. Review status: criteria provided, multiple submitters, no conflicts (2 of 4 stars). 2 submissions from 2 submitters: Uncertain significance (2). Last evaluated 2024-10-14.

Conditions:
Hereditary cancer-predisposing syndrome. Also called: Tumor predisposition; Hereditary Cancer Syndrome; Neoplastic Syndromes, Hereditary; Hereditary neoplastic syndrome. Identifiers: Orphanet 140162, MedGen C0027672, MeSH D009386, MONDO:0015356.
Multiple endocrine neoplasia, type 2 (MEN2). Identifiers: Orphanet 653, MedGen C4048306, MONDO:0019003. Disease mechanism: gain of function.

Submissions (2):

Ambry Genetics
Classification: Uncertain significance for Hereditary cancer-predisposing syndrome. Last evaluated: 2024-10-14. Review status: criteria provided, single submitter. Criteria: Ambry Variant Classification Scheme 2023. Collection method: clinical testing. Allele origin: germline.
Comment: The p.Y483H variant (also known as c.1447T>C), located in coding exon 7 of the RET gene, results from a T to C substitution at nucleotide position 1447. The tyrosine at codon 483 is replaced by histidine, an amino acid with similar properties. This amino acid position is conserved. In addition, the in silico prediction for this alteration is inconclusive. Based on the available evidence, the clinical significance of this variant remains unclear.

Labcorp Genetics (formerly Invitae), Labcorp
Classification: Uncertain significance for Multiple endocrine neoplasia, type 2. Last evaluated: 2024-01-07. Review status: criteria provided, single submitter. Criteria: Invitae Variant Classification Sherloc (09022015). Collection method: clinical testing. Allele origin: germline.
Comment: This sequence change replaces tyrosine, which is neutral and polar, with histidine, which is basic and polar, at codon 483 of the RET protein (p.Tyr483His). This variant is not present in population databases (gnomAD no frequency). This variant has not been reported in the literature in individuals affected with RET-related conditions. An algorithm developed to predict the effect of missense changes on protein structure and function (PolyPhen-2) suggests that this variant is likely to be disruptive. In summary, the available evidence is currently insufficient to determine the role of this variant in disease. Therefore, it has been classified as a Variant of Uncertain Significance.